The following is an entry in ClinVar:

NM_001347721.2(DYRK1A):c.1561G>A (p.Asp521Asn)

Gene: DYRK1A (dual specificity tyrosine phosphorylation regulated kinase 1A; plus strand). Cytogenetic location: 21q22.13.
Variant type: single nucleotide variant.
Coding change: c.1561G>A on transcript NM_001347721.2 (MANE Select); coding-DNA position 1561, G replaced by A.
Protein change: p.Asp521Asn; replaces aspartic acid 521 with asparagine.
Molecular consequence: missense variant. On other transcripts: intron variant (1).
Genome position (GRCh38, 1-based): chr21:37,506,140, G>A. VCF-style: chr21-37506140-G-A. GRCh37 (hg19) VCF-style: chr21-38878443-G-A.
Other names: c.1561G>A, p.Asp521Asn (NM_001347722.2, NM_130436.2); c.1474G>A, p.Asp492Asn (NM_001347723.2); c.1588G>A, p.Asp530Asn (NM_001396.5, NM_101395.2); c.1546+551G>A (NM_130438.2); short protein forms D492N, D521N, D530N.
Identifiers: ClinVar variation 1478494 (VCV001478494.9), dbSNP rs1440750899, ClinGen allele CA409938865.
Genomic context (GRCh38, chr21:37,506,140, plus strand): 5'-TTGTGTTGTGATATTTCAGGTGGCTCATCGGGGACAAGCAACAGTGGGAGAGCCCGGTCG[G>A]ATCCGACGCACCAGCATCGGCACAGTGGTGGGCACTTCACAGCTGCCGTGCAGGCCATGG-3'
Protein context (NP_001334650.1, residues 511-531): GTSNSGRARS[Asp521Asn]PTHQHRHSGG

ClinVar aggregate classification (germline): Uncertain significance. Review status: criteria provided, multiple submitters, no conflicts (2 of 4 stars). 2 submissions from 2 submitters: Uncertain significance (2). Last evaluated 2022-06-24.

Conditions:
DYRK1A-related intellectual disability syndrome (MRD7). Also called: DYRK1A Syndrome; Intellectual developmental disorder, autosomal dominant 7. Identifiers: Orphanet 464306, MedGen C5568143, MONDO:0013578, OMIM 614104.

Allele frequency attached by ClinVar (database versions not stated): gnomAD exomes 0.00001; TOPMed 0.00001.
gnomAD v4.1: 21 of 1,613,992 alleles (0.0013%); highest among the groups gnomAD compares: Non-Finnish European, 0.0018%; no homozygotes.

Submissions (2):

Victorian Clinical Genetics Services, Murdoch Childrens Research Institute
Classification: Uncertain significance for DYRK1A-related intellectual disability syndrome. Last evaluated: 2022-06-24. Review status: criteria provided, single submitter. Criteria: ACMG Guidelines, 2015. Collection method: clinical testing. Allele origin: germline. Inheritance: Autosomal dominant inheritance. Affected: yes.
Comment: Based on the classification scheme VCGS_Germline_v1.3.4, this variant is classified as VUS-3C. Following criteria are met: 0102 - Loss of function is a known mechanism of disease in this gene and is associated with intellectual developmental disorder, autosomal dominant 7 (MIM#614104). (I) 0107 - This gene is associated with autosomal dominant disease. (I) 0200 - Variant is predicted to result in a missense amino acid change from aspartic acid to asparagine. (I) 0251 - This variant is heterozygous. (I) 0301 - Variant is absent from gnomAD (both v2 and v3). (SP) 0503 - Missense variant consistently predicted to be tolerated by multiple in silico tools or not conserved in placental mammals with a minor amino acid change. (SB) 0604 - Variant is not located in an established domain, motif, hotspot or informative constraint region. (I) 0705 - No comparable missense variants have previous evidence for pathogenicity. (I) 0809 - Previous evidence of pathogenicity for this variant is inconclusive. This variant has been classified as a VUS by a clinical laboratory in ClinVar. (I) 0905 - No published segregation evidence has been identified for this variant. (I) 1007 - No published functional evidence has been identified for this variant. (I) 1208 - Inheritance information for this variant is not currently available in this individual. (I) Legend: (SP) - Supporting pathogenic, (I) - Information, (SB) - Supporting benign

Labcorp Genetics (formerly Invitae), Labcorp
Classification: Uncertain significance for DYRK1A-related intellectual disability syndrome. Last evaluated: 2021-10-10. Review status: criteria provided, single submitter. Criteria: Invitae Variant Classification Sherloc (09022015). Collection method: clinical testing. Allele origin: germline.
Comment: This variant has not been reported in the literature in individuals affected with DYRK1A-related conditions. In summary, the available evidence is currently insufficient to determine the role of this variant in disease. Therefore, it has been classified as a Variant of Uncertain Significance. Algorithms developed to predict the effect of missense changes on protein structure and function (SIFT, PolyPhen-2, Align-GVGD) all suggest that this variant is likely to be tolerated. This variant is not present in population databases (ExAC no frequency). This sequence change replaces aspartic acid with asparagine at codon 530 of the DYRK1A protein (p.Asp530Asn). The aspartic acid residue is highly conserved and there is a small physicochemical difference between aspartic acid and asparagine.